The following is an entry in ClinVar:

NM_006922.4(SCN3A):c.3253A>G (p.Ile1085Val)

Gene: SCN3A (sodium voltage-gated channel alpha subunit 3; minus strand). Cytogenetic location: 2q24.3.
Variant type: single nucleotide variant.
Coding change: c.3253A>G on transcript NM_006922.4 (MANE Select); coding-DNA position 3253, A replaced by G.
Protein change: p.Ile1085Val; replaces isoleucine 1085 with valine.
Molecular consequence: missense variant.
Genome position (GRCh38, 1-based): chr2:165,127,771, T>C on the plus strand (A>G on the coding strand, the complement: SCN3A is on the minus strand). VCF-style: chr2-165127771-T-C. GRCh37 (hg19) VCF-style: chr2-165984281-T-C.
Other names: c.3106A>G, p.Ile1036Val (NM_001081676.2, NM_001081677.2); short protein forms I1036V, I1085V.
Identifiers: ClinVar variation 194858 (VCV000194858.53), dbSNP rs144957412, ClinGen allele CA241050.

ClinVar aggregate classification (germline): Conflicting classifications of pathogenicity. Review status: criteria provided, conflicting classifications (1 of 4 stars). 6 submissions from 6 submitters: Uncertain significance (4); Likely benign (2). Last evaluated 2025-10-01.

Conditions:
Developmental and epileptic encephalopathy, 62. Also called: Early infantile epileptic encephalopathy 62. Identifiers: MedGen C4693699, MONDO:0033371, OMIM 617938.
Epilepsy, familial focal, with variable foci 4 (FFEVF4). Identifiers: MedGen C4693694, MONDO:0054776, OMIM 617935.
Inborn genetic diseases. Identifiers: MedGen C0950123, MeSH D030342.

Allele frequency attached by ClinVar (database versions not stated): ExAC 0.00002; gnomAD 0.00002; gnomAD exomes 0.00002; TOPMed 0.00002; ESP Exome Variant Server 0.00015.
gnomAD v4.1: 34 of 1,614,028 alleles (0.0021%); highest among the groups gnomAD compares: Non-Finnish European, 0.0026%; no homozygotes.

Submissions (6):

CeGaT Center for Human Genetics Tuebingen
Classification: Likely benign. Last evaluated: 2025-10-01. Review status: criteria provided, single submitter. Criteria: CeGaT Center For Human Genetics Tuebingen Variant Classification Criteria Version 2. Collection method: clinical testing. Allele origin: germline. Affected: yes. Observed: 2 variant alleles.
Comment: SCN3A: BP4

Ambry Genetics
Classification: Likely benign for Inborn genetic diseases. Last evaluated: 2025-01-10. Review status: criteria provided, single submitter. Criteria: Ambry Variant Classification Scheme 2023. Collection method: clinical testing. Allele origin: germline.

Labcorp Genetics (formerly Invitae), Labcorp
Classification: Uncertain significance. Last evaluated: 2024-12-15. Review status: criteria provided, single submitter. Criteria: Invitae Variant Classification Sherloc (09022015). Collection method: clinical testing. Allele origin: germline.
Comment: This sequence change replaces isoleucine, which is neutral and non-polar, with valine, which is neutral and non-polar, at codon 1085 of the SCN3A protein (p.Ile1085Val). This variant is present in population databases (rs144957412, gnomAD 0.003%). This variant has not been reported in the literature in individuals affected with SCN3A-related conditions. ClinVar contains an entry for this variant (Variation ID: 194858). Invitae Evidence Modeling of protein sequence and biophysical properties (such as structural, functional, and spatial information, amino acid conservation, physicochemical variation, residue mobility, and thermodynamic stability) indicates that this missense variant is not expected to disrupt SCN3A protein function with a negative predictive value of 95%. In summary, the available evidence is currently insufficient to determine the role of this variant in disease. Therefore, it has been classified as a Variant of Uncertain Significance.

Blueprint Genetics
Classification: Uncertain significance. Last evaluated: 2024-04-22. Review status: criteria provided, single submitter. Criteria: ACMG Guidelines, 2015. Collection method: clinical testing. Allele origin: germline.

Fulgent Genetics
Classification: Uncertain significance for Epilepsy, familial focal, with variable foci 4; Developmental and epileptic encephalopathy, 62. Last evaluated: 2018-10-31. Review status: criteria provided, single submitter. Criteria: ACMG Guidelines, 2015. Collection method: clinical testing. Allele origin: unknown.

Eurofins Ntd Llc (ga)
Classification: Uncertain significance. Last evaluated: 2014-11-22. Review status: criteria provided, single submitter. Criteria: EGL Classification Definitions 2015. Collection method: clinical testing. Allele origin: germline. Observed: 2 variant alleles, 2 heterozygotes.